The following is an entry in ClinVar:

ClinVar aggregate classification (germline): Likely pathogenic. Review status: criteria provided, single submitter (1 of 4 stars). 2 submissions from 2 submitters: Likely pathogenic (1). 1 of the submissions does not count toward it. Last evaluated 2021-12-02.

Conditions:
PMM2-congenital disorder of glycosylation. Also called: PMM2-CDG; Congenital disorder of glycosylation, type Ia; PHOSPHOMANNOMUTASE 2 DEFICIENCY; CARBOHYDRATE-DEFICIENT GLYCOPROTEIN SYNDROME, TYPE Ia; CDG Ia; JAEKEN SYNDROME. Identifiers: Orphanet 79318, MedGen C0349653, MONDO:0008907, OMIM 212065.

Submissions (2):

Labcorp Genetics (formerly Invitae), Labcorp
Classification: Likely pathogenic for PMM2-congenital disorder of glycosylation. Last evaluated: 2021-12-02. Review status: criteria provided, single submitter. Criteria: Invitae Variant Classification Sherloc (09022015). Collection method: clinical testing. Allele origin: germline.
Comment: This sequence change affects a donor splice site in intron 4 of the PMM2 gene. It is expected to disrupt RNA splicing. Variants that disrupt the donor or acceptor splice site typically lead to a loss of protein function (PMID: 16199547), and loss-of-function variants in PMM2 are known to be pathogenic (PMID: 19862844). This variant is not present in population databases (gnomAD no frequency). This variant has not been reported in the literature in individuals affected with PMM2-related conditions. ClinVar contains an entry for this variant (Variation ID: 371239). Algorithms developed to predict the effect of sequence changes on RNA splicing suggest that this variant may disrupt the consensus splice site. In summary, the currently available evidence indicates that the variant is pathogenic, but additional data are needed to prove that conclusively. Therefore, this variant has been classified as Likely Pathogenic.

Counsyl
Classification: Likely pathogenic for PMM2-congenital disorder of glycosylation. Last evaluated: 2016-08-03. Review status: no assertion criteria provided. Collection method: clinical testing. Allele origin: unknown. Not counted in ClinVar's aggregate classification.

Literature cited by the submitters: PubMed 16199547 (cited by Labcorp Genetics (formerly Invitae), Labcorp); PubMed 19862844 (cited by Labcorp Genetics (formerly Invitae), Labcorp).

NM_000303.3(PMM2):c.347+1G>A

Gene: PMM2 (phosphomannomutase 2; plus strand). Cytogenetic location: 16p13.2.
Variant type: single nucleotide variant.
Coding change: c.347+1G>A on transcript NM_000303.3 (MANE Select); the canonical splice donor site of the intron after coding-DNA position 347, G replaced by A.
Molecular consequence: splice donor variant.
Genome position (GRCh38, 1-based): chr16:8,806,408, G>A. VCF-style: chr16-8806408-G-A. GRCh37 (hg19) VCF-style: chr16-8900265-G-A.
Identifiers: ClinVar variation 371239 (VCV000371239.10), dbSNP rs1057517117, ClinGen allele CA16041797.